The following is an entry in ClinVar:

ClinVar aggregate classification (germline): Uncertain significance. Review status: criteria provided, multiple submitters, no conflicts (2 of 4 stars). 2 submissions from 2 submitters: Uncertain significance (2). Last evaluated 2026-01-20.

Conditions:
ALG1-congenital disorder of glycosylation. Also called: CDG Ik; ALG1-CDG; CONGENITAL DISORDER OF GLYCOSYLATION, TYPE Ik. Identifiers: Orphanet 79327, MedGen C2931005, MONDO:0012052, OMIM 608540.

Allele frequency attached by ClinVar (database versions not stated): TOPMed 0.00002.
gnomAD v4.1: 21 of 1,596,962 alleles (0.0013%); highest among the groups gnomAD compares: Admixed American, 0.033%; no homozygotes.

Submissions (2):

GeneDx
Classification: Uncertain significance. Last evaluated: 2026-01-20. Review status: criteria provided, single submitter. Criteria: GeneDx Variant Classification Process June 2021. Collection method: clinical testing. Allele origin: germline. Affected: yes.
Comment: Has not been previously published as pathogenic or benign to our knowledge; In silico analysis suggests that this missense variant does not alter protein structure/function; In silico analysis is inconclusive as to whether the variant alters gene splicing. In the absence of RNA/functional studies, the actual effect of this sequence change is unknown.

Labcorp Genetics (formerly Invitae), Labcorp
Classification: Uncertain significance for ALG1-congenital disorder of glycosylation. Last evaluated: 2026-01-06. Review status: criteria provided, single submitter. Criteria: Invitae Variant Classification Sherloc (09022015). Collection method: clinical testing. Allele origin: germline.
Comment: This sequence change replaces lysine, which is basic and polar, with glutamine, which is neutral and polar, at codon 301 of the ALG1 protein (p.Lys301Gln). This variant is present in population databases (rs753600353, gnomAD 0.04%). This variant has not been reported in the literature in individuals affected with ALG1-related conditions. ClinVar contains an entry for this variant (Variation ID: 387131). An algorithm developed to predict the effect of missense changes on protein structure and function (PolyPhen-2) suggests that this variant is likely to be tolerated. Algorithms developed to predict the effect of sequence changes on RNA splicing suggest that this variant may disrupt the consensus splice site. In summary, the available evidence is currently insufficient to determine the role of this variant in disease. Therefore, it has been classified as a Variant of Uncertain Significance.

NM_019109.5(ALG1):c.901A>C (p.Lys301Gln)

Gene: ALG1 (ALG1 chitobiosyldiphosphodolichol beta-mannosyltransferase; plus strand). Cytogenetic location: 16p13.3.
Variant type: single nucleotide variant.
Coding change: c.901A>C on transcript NM_019109.5 (MANE Select); coding-DNA position 901, A replaced by C.
Protein change: p.Lys301Gln; replaces lysine 301 with glutamine.
Molecular consequence: missense variant.
Genome position (GRCh38, 1-based): chr16:5,079,102, A>C. VCF-style: chr16-5079102-A-C. GRCh37 (hg19) VCF-style: chr16-5129103-A-C.
Other names: c.568A>C, p.Lys190Gln (NM_001330504.2); short protein forms K190Q.
Identifiers: ClinVar variation 387131 (VCV000387131.7), dbSNP rs753600353, ClinGen allele CA7890079.
Genomic context (GRCh38, chr16:5,079,102, plus strand): 5'-ACATTCAATTCTCTTCTCATAGAGGACGAAGACTTCTCCATCCTGCTGGCAGCTTTAGAA[A>C]GTAGGTGTGTGGCTGCGGTGAGGAGCTCTGGGCTTGTCGGGGGCCACTGAGCTGTAAGCT-3'
Protein context (NP_061982.3, residues 291-311): DFSILLAALE[Lys301Gln]FEQLTLDGHN